The following is an entry in ClinVar:

ClinVar aggregate classification (germline): Pathogenic (1 of 4 stars; one submission).

Conditions:
Capillary malformation-arteriovenous malformation syndrome. Also called: Capillary malformation-arteriovenous malformation. Identifiers: Orphanet 137667, MedGen C1842180, MONDO:0012016.

Submission:

Labcorp Genetics (formerly Invitae), Labcorp
Classification: Pathogenic for Capillary malformation-arteriovenous malformation syndrome. Last evaluated: 2019-05-10. Review status: criteria provided, single submitter. Criteria: Invitae Variant Classification Sherloc (09022015). Collection method: clinical testing. Allele origin: germline.
Comment: For these reasons, this variant has been classified as Pathogenic. Donor and acceptor splice site variants typically lead to a loss of protein function (PMID: 16199547), and loss-of-function variants in RASA1 are known to be pathogenic (PMID: 24038909). This variant is not present in population databases (ExAC no frequency). This sequence change affects a donor splice site in intron 9 of the RASA1 gene. It is expected to disrupt RNA splicing and likely results in an absent or disrupted protein product.

Literature cited by the submitters: PubMed 16199547; PubMed 24038909.

NM_002890.3(RASA1):c.1332+2T>G

Genes: CCNH (cyclin H; minus strand), RASA1 (RAS p21 protein activator 1; plus strand). Cytogenetic location: 5q14.3.
Variant type: single nucleotide variant.
Coding change: c.1332+2T>G on transcript NM_002890.3 (MANE Select); the canonical splice donor site of the intron after coding-DNA position 1332, T replaced by G.
Molecular consequence: splice donor variant. On other transcripts: intron variant (1).
Genome position (GRCh38, 1-based): chr5:87,353,237, T>G. VCF-style: chr5-87353237-T-G. GRCh37 (hg19) VCF-style: chr5-86649054-T-G.
Other names: c.801+2T>G (NM_022650.3); c.934-40442A>C (NM_001364075.2).
Identifiers: ClinVar variation 945919 (VCV000945919.10), dbSNP rs1759410564, ClinGen allele CA360365295.
Genomic context (GRCh38, chr5:87,353,237, plus strand): 5'-ACTATCGAAAAGAACAGATTGTTGAAGGATATTATCTTAAGGAACCTGTACCAATGCAGG[T>G]CAGTGTTGCATTTCTTATTGCAATAATTAGCATTTTATTTTAAAATGCATTTTGGTGGTA-3'